The following is an entry in ClinVar:

NM_198241.3(EIF4G1):c.1590T>C (p.Leu530=)

Gene: EIF4G1 (eukaryotic translation initiation factor 4 gamma 1; plus strand). Cytogenetic location: 3q27.1.
Variant type: single nucleotide variant.
Coding change: c.1590T>C on transcript NM_198241.3 (MANE Select); coding-DNA position 1590, T replaced by C.
Protein change: p.Leu530=; no amino-acid change (leucine 530 retained).
Molecular consequence: synonymous variant.
Genome position (GRCh38, 1-based): chr3:184,322,432, T>C. VCF-style: chr3-184322432-T-C. GRCh37 (hg19) VCF-style: chr3-184040220-T-C.
Other names: p.Leu530=; c.1611T>C, p.Leu537= (NM_001194946.2, NM_001194947.2); c.1470T>C, p.Leu490= (NM_001291157.2); c.1002T>C, p.Leu334= (NM_004953.5); c.1590T>C, p.Leu530= (NM_182917.4); c.1098T>C, p.Leu366= (NM_198242.3); c.1329T>C, p.Leu443= (NM_198244.3).
Identifiers: ClinVar variation 4684746 (VCV004684746.1).
Genomic context (GRCh38, chr3:184,322,432, plus strand): 5'-TGTGCCAAAGAGGAGACGGAAAATTAAGGAGCTAAATAAGAAGGAGGCTGTTGGAGACCT[T>C]CTGGATGCCTTCAAGGAGGTAAGGGAGCAGAAAATGGGAGGGGAGAGGGCCAAGTTGAGG-3'
Protein context (NP_937884.2, residues 520-540): ELNKKEAVGD[Leu530=]LDAFKEANPA

ClinVar aggregate classification (germline): Likely benign (1 of 4 stars; one submission).

Submission:

Mayo Clinic Laboratories, Mayo Clinic
Classification: Likely benign. Last evaluated: 2025-10-20. Review status: criteria provided, single submitter. Criteria: ACMG Guidelines, 2015. Collection method: clinical testing. Allele origin: germline. Observed: 1 variant allele.
Comment: BP4, BP7